The following is an entry in ClinVar:

NM_001182.5(ALDH7A1):c.200C>T (p.Thr67Met)

Gene: ALDH7A1 (aldehyde dehydrogenase 7 family member A1; minus strand). Cytogenetic location: 5q23.2.
Variant type: single nucleotide variant.
Coding change: c.200C>T on transcript NM_001182.5 (MANE Select); coding-DNA position 200, C replaced by T.
Protein change: p.Thr67Met; replaces threonine 67 with methionine.
Molecular consequence: missense variant.
Genome position (GRCh38, 1-based): chr5:126,593,397, G>A on the plus strand (C>T on the coding strand, the complement: ALDH7A1 is on the minus strand). VCF-style: chr5-126593397-G-A. GRCh37 (hg19) VCF-style: chr5-125929089-G-A.
Other names: p.T67M:ACG>ATG; c.116C>T, p.Thr39Met (NM_001201377.2); c.200C>T, p.Thr67Met (NM_001202404.2); short protein forms T67M, T39M.
Identifiers: ClinVar variation 204834 (VCV000204834.23), dbSNP rs543181020, ClinGen allele CA313175.

ClinVar aggregate classification (germline): Conflicting classifications of pathogenicity. Review status: criteria provided, conflicting classifications (1 of 4 stars). 7 submissions from 7 submitters: Uncertain significance (3); Likely benign (4). Last evaluated 2026-08-04.

Conditions:
ALDH7A1-related disorder. Also called: ALDH7A1-related condition.
Inborn genetic diseases. Identifiers: MedGen C0950123, MeSH D030342.
Pyridoxine-dependent epilepsy (EPEO4). Also called: PYRIDOXINE DEPENDENCY WITH SEIZURES; Pyridoxine-Dependent Seizures; Pyridoxine-Dependent Epilepsy - ALDH7A1; EPILEPSY, EARLY-ONSET, 4, VITAMIN B6-DEPENDENT. Identifiers: Orphanet 3006, MedGen C1849508, MONDO:0009945, OMIM 266100. Disease mechanism: loss of function.

Allele frequency attached by ClinVar (database versions not stated): TOPMed 0.00005; gnomAD 0.00007 and 0.00018; gnomAD exomes 0.00019 and 0.00047; 1000 Genomes Project 0.00040; 1000 Genomes Project 30x 0.00047; ExAC 0.00057.
gnomAD v4.1: 311 of 1,613,368 alleles (0.019%); highest among the groups gnomAD compares: South Asian, 0.25%; 1 homozygote.

Submissions (7):

PreventionGenetics, part of Exact Sciences
Classification: Likely benign for ALDH7A1-related condition. Last evaluated: 2026-08-04. Review status: criteria provided, single submitter. Criteria: ACMG Guidelines, 2015. Collection method: clinical testing. Allele origin: germline.
Comment: This variant is classified as likely benign based on ACMG/AMP sequence variant interpretation guidelines (Richards et al. 2015 PMID: 25741868, with internal and published modifications).

Labcorp Genetics (formerly Invitae), Labcorp
Classification: Likely benign for Pyridoxine-dependent epilepsy. Last evaluated: 2026-01-26. Review status: criteria provided, single submitter. Criteria: Invitae Variant Classification Sherloc (09022015). Collection method: clinical testing. Allele origin: germline.

Women's Health and Genetics/Laboratory Corporation of America, LabCorp
Classification: Likely benign. Last evaluated: 2024-10-22. Review status: criteria provided, single submitter. Criteria: LabCorp Variant Classification Summary - May 2015. Collection method: clinical testing. Allele origin: germline.
Comment: Variant summary: ALDH7A1 c.200C>T (p.Thr67Met) results in a non-conservative amino acid change located in the Aldehyde dehydrogenase domain (IPR015590) of the encoded protein sequence. Five of five in-silico tools predict a damaging effect of the variant on protein function. The variant allele was found at a frequency of 0.00047 in 251340 control chromosomes, predominantly at a frequency of 0.0025 within the South Asian subpopulation in the gnomAD database, including 1 homozygote. The observed variant frequency within South Asian control individuals in the gnomAD database is approximately equal to the estimated maximal expected allele frequency for a pathogenic variant in ALDH7A1 causing Pyridoxine-Dependent Epilepsy phenotype (0.0018). To our knowledge, no occurrence of c.200C>T in individuals affected with Pyridoxine-Dependent Epilepsy and no experimental evidence demonstrating its impact on protein function have been reported. ClinVar contains an entry for this variant (Variation ID: 204834). Based on the evidence outlined above, the variant was classified as likely benign.

Blueprint Genetics
Classification: Likely benign. Last evaluated: 2024-08-06. Review status: criteria provided, single submitter. Criteria: ACMG Guidelines, 2015. Collection method: clinical testing. Allele origin: germline.

GeneDx
Classification: Uncertain significance. Last evaluated: 2023-05-06. Review status: criteria provided, single submitter. Criteria: GeneDx Variant Classification Process June 2021. Collection method: clinical testing. Allele origin: germline. Affected: yes.
Comment: In silico analysis supports that this missense variant has a deleterious effect on protein structure/function; Has not been previously published as pathogenic or benign to our knowledge

Ambry Genetics
Classification: Uncertain significance for Inborn genetic diseases. Last evaluated: 2017-07-18. Review status: criteria provided, single submitter. Criteria: Ambry Variant Classification Scheme 2023. Collection method: clinical testing. Allele origin: germline.
Comment: The p.T67M variant (also known as c.200C>T), located in coding exon 2 of the ALDH7A1 gene, results from a C to T substitution at nucleotide position 200. The threonine at codon 67 is replaced by methionine, an amino acid with similar properties. This amino acid position is highly conserved in available vertebrate species. In addition, the in silico prediction for this alteration is inconclusive. Since supporting evidence is limited at this time, the clinical significance of this alteration remains unclear.

Illumina Laboratory Services, Illumina
Classification: Uncertain significance for Pyridoxine-dependent epilepsy. Last evaluated: 2017-04-28. Review status: criteria provided, single submitter. Criteria: ICSL Variant Classification Criteria 13 December 2019. Collection method: clinical testing. Allele origin: germline.